The following is an entry in ClinVar:

ClinVar aggregate classification (germline): Uncertain significance (1 of 4 stars; one submission).

Conditions:
Arrhythmogenic right ventricular dysplasia 10. Also called: Arrhythmogenic Right Ventricular Dysplasia/Cardiomyopathy10; ARRHYTHMOGENIC RIGHT VENTRICULAR DYSPLASIA, FAMILIAL, 10; Arrhythmogenic right ventricular dysplasia/cardiomyopathy, type 10. Identifiers: MedGen C1857777, MONDO:0012434, OMIM 610193.

gnomAD v4.1: 1 of 1,614,104 alleles (0.000062%); highest among the groups gnomAD compares: African/African-American, 0.0013%; no homozygotes.

Submission:

Labcorp Genetics (formerly Invitae), Labcorp
Classification: Uncertain significance for Arrhythmogenic right ventricular dysplasia 10. Last evaluated: 2025-05-27. Review status: criteria provided, single submitter. Criteria: Invitae Variant Classification Sherloc (09022015). Collection method: clinical testing. Allele origin: germline.
Comment: This sequence change replaces serine, which is neutral and polar, with arginine, which is basic and polar, at codon 597 of the DSG2 protein (p.Ser597Arg). This variant is not present in population databases (gnomAD no frequency). This variant has not been reported in the literature in individuals affected with DSG2-related conditions. ClinVar contains an entry for this variant (Variation ID: 2971425). Invitae Evidence Modeling of protein sequence and biophysical properties (such as structural, functional, and spatial information, amino acid conservation, physicochemical variation, residue mobility, and thermodynamic stability) indicates that this missense variant is not expected to disrupt DSG2 protein function with a negative predictive value of 95%. Algorithms developed to predict the effect of sequence changes on RNA splicing suggest that this variant may disrupt the consensus splice site. In summary, the available evidence is currently insufficient to determine the role of this variant in disease. Therefore, it has been classified as a Variant of Uncertain Significance.

NM_001943.5(DSG2):c.1791C>A (p.Ser597Arg)

Gene: DSG2 (desmoglein 2; plus strand). Cytogenetic location: 18q12.1.
Variant type: single nucleotide variant.
Coding change: c.1791C>A on transcript NM_001943.5 (MANE Select); coding-DNA position 1791, C replaced by A.
Protein change: p.Ser597Arg; replaces serine 597 with arginine.
Molecular consequence: missense variant.
Genome position (GRCh38, 1-based): chr18:31,538,890, C>A. VCF-style: chr18-31538890-C-A. GRCh37 (hg19) VCF-style: chr18-29118853-C-A.
Other names: short protein forms S597R.
Identifiers: ClinVar variation 2971425 (VCV002971425.3), dbSNP rs768167385, ClinGen allele CA402137752.
Genomic context (GRCh38, chr18:31,538,890, plus strand): 5'-TTTTAGTTGTCCTGAAAAGCAGGTCCTTACACTCACAGTTTGTGAGTGTCTGCATGGCAG[C>A]GGCTGCAGGGAAGCACAGCATGACTCCTATGTGGGCCTGGGACCCGCAGCAATTGCGCTC-3'
Protein context (NP_001934.2, residues 587-607): TLTVCECLHG[Ser597Arg]GCREAQHDSY